The following is an entry in ClinVar:

ClinVar aggregate classification (germline): Likely benign. Review status: criteria provided, multiple submitters, no conflicts (2 of 4 stars). 2 submissions from 2 submitters: Likely benign (2). Last evaluated 2025-12-15.

Conditions:
Mowat-Wilson syndrome (MOWS). Also called: Classic Mowat-Wilson Syndrome. Identifiers: Orphanet 2152, MedGen C1856113, MONDO:0009341, OMIM 235730.

Allele frequency attached by ClinVar (database versions not stated): gnomAD exomes below 0.00001; gnomAD 0.00001; 1000 Genomes Project 30x 0.00016; 1000 Genomes Project 0.00020.
gnomAD v4.1: 3 of 1,614,164 alleles (0.00019%); highest among the groups gnomAD compares: African/African-American, 0.004%; no homozygotes.

Submissions (2):

Labcorp Genetics (formerly Invitae), Labcorp
Classification: Likely benign for Mowat-Wilson syndrome. Last evaluated: 2025-12-15. Review status: criteria provided, single submitter. Criteria: Invitae Variant Classification Sherloc (09022015). Collection method: clinical testing. Allele origin: germline.

CeGaT Center for Human Genetics Tuebingen
Classification: Likely benign. Last evaluated: 2023-06-01. Review status: criteria provided, single submitter. Criteria: CeGaT Center For Human Genetics Tuebingen Variant Classification Criteria Version 2. Collection method: clinical testing. Allele origin: germline. Affected: yes. Observed: 1 variant allele.
Comment: ZEB2: BP4, BP7

NM_014795.4(ZEB2):c.2181A>G (p.Leu727=)

Gene: ZEB2 (zinc finger E-box binding homeobox 2; minus strand). Cytogenetic location: 2q22.3.
Variant type: single nucleotide variant.
Coding change: c.2181A>G on transcript NM_014795.4 (MANE Select); coding-DNA position 2181, A replaced by G.
Protein change: p.Leu727=; no amino-acid change (leucine 727 retained).
Molecular consequence: synonymous variant.
Genome position (GRCh38, 1-based): chr2:144,399,006, T>C on the plus strand (A>G on the coding strand, the complement: ZEB2 is on the minus strand). VCF-style: chr2-144399006-T-C. GRCh37 (hg19) VCF-style: chr2-145156573-T-C.
Other names: c.2109A>G, p.Leu703= (NM_001171653.2).
Identifiers: ClinVar variation 2651396 (VCV002651396.27), dbSNP rs199846935, ClinGen allele CA57555332.